The following is an entry in ClinVar:

NM_000245.4(MET):c.107A>G (p.Asn36Ser)

Gene: MET (MET proto-oncogene, receptor tyrosine kinase; plus strand). Cytogenetic location: 7q31.2.
Variant type: single nucleotide variant.
Coding change: c.107A>G on transcript NM_000245.4 (MANE Select); coding-DNA position 107, A replaced by G.
Protein change: p.Asn36Ser; replaces asparagine 36 with serine.
Molecular consequence: missense variant. On other transcripts: intron variant (1).
Genome position (GRCh38, 1-based): chr7:116,699,191, A>G. VCF-style: chr7-116699191-A-G. GRCh37 (hg19) VCF-style: chr7-116339245-A-G.
Other names: c.107A>G, p.Asn36Ser (NM_001127500.3, NM_001324401.3); c.-91+26614A>G (NM_001324402.2); short protein forms N36S.
Identifiers: ClinVar variation 1318641 (VCV001318641.12), dbSNP rs1282716584, ClinGen allele CA368968355.

ClinVar aggregate classification (germline): Uncertain significance. Review status: criteria provided, multiple submitters, no conflicts (2 of 4 stars). 4 submissions from 4 submitters: Uncertain significance (4). Last evaluated 2026-10-01.

Conditions:
Renal cell carcinoma. Identifiers: Orphanet 217071, MedGen C0007134, MeSH D002292, MONDO:0005086, HP:0005584.
Hereditary cancer-predisposing syndrome. Also called: Neoplastic Syndromes, Hereditary; Hereditary Cancer Syndrome; Hereditary neoplastic syndrome; Tumor predisposition. Identifiers: Orphanet 140162, MedGen C0027672, MeSH D009386, MONDO:0015356.
Papillary renal cell carcinoma type 1 (RCCP1). Also called: Renal adenocarcinoma; Renal cell carcinoma 1; Renal cell carcinoma, somatic; RENAL CELL CARCINOMA, PAPILLARY, 1, SOMATIC. Identifiers: Orphanet 47044, MedGen C1336839, OMIM 605074, HP:0011797.

Allele frequency attached by ClinVar (database versions not stated): gnomAD exomes below 0.00001; TOPMed below 0.00001; gnomAD 0.00001.
gnomAD v4.1: 3 of 1,613,846 alleles (0.00019%); highest among the groups gnomAD compares: African/African-American, 0.0027%; no homozygotes.

Submissions (4):

St. Jude Molecular Pathology, St. Jude Children's Research Hospital
Classification: Uncertain significance for Papillary renal cell carcinoma type 1. Last evaluated: 2026-10-01. Review status: criteria provided, single submitter. Criteria: St. Jude Assertion Criteria 2020. Collection method: clinical testing. Allele origin: germline.
Comment: The MET c.107A>G p.(Asn36Ser) missense change has a maximum subpopulation frequency of 0.006% in gnomAD v2.1.1. The in silico tool REVEL predicts a benign effect on protein function, but to our knowledge this predic tion has not been confirmed by functional studies. To our knowledge, this variant has not been reported in the literature in individuals with hereditary papillary renal cell carcinoma. In summary, the evidence currently available is insufficient to deter mine the clinical significance of this variant. It has therefore been classified as of uncertain significance.Ã¢ € ¯Ã¢ € ¯

Labcorp Genetics (formerly Invitae), Labcorp
Classification: Uncertain significance for Renal cell carcinoma. Last evaluated: 2024-11-13. Review status: criteria provided, single submitter. Criteria: Invitae Variant Classification Sherloc (09022015). Collection method: clinical testing. Allele origin: germline.
Comment: This sequence change replaces asparagine, which is neutral and polar, with serine, which is neutral and polar, at codon 36 of the MET protein (p.Asn36Ser). This variant is present in population databases (no rsID available, gnomAD 0.007%). This variant has not been reported in the literature in individuals affected with MET-related conditions. ClinVar contains an entry for this variant (Variation ID: 1318641). Invitae Evidence Modeling of protein sequence and biophysical properties (such as structural, functional, and spatial information, amino acid conservation, physicochemical variation, residue mobility, and thermodynamic stability) has been performed for this missense variant. However, the output from this modeling did not meet the statistical confidence thresholds required to predict the impact of this variant on MET protein function. In summary, the available evidence is currently insufficient to determine the role of this variant in disease. Therefore, it has been classified as a Variant of Uncertain Significance.

Ambry Genetics
Classification: Uncertain significance for Hereditary cancer-predisposing syndrome. Last evaluated: 2024-03-13. Review status: criteria provided, single submitter. Criteria: Ambry Variant Classification Scheme 2023. Collection method: clinical testing. Allele origin: germline.
Comment: The p.N36S variant (also known as c.107A>G), located in coding exon 1 of the MET gene, results from an A to G substitution at nucleotide position 107. The asparagine at codon 36 is replaced by serine, an amino acid with highly similar properties. This amino acid position is not well conserved in available vertebrate species. In addition, this alteration is predicted to be tolerated by in silico analysis. Since supporting evidence is limited at this time, the clinical significance of this alteration remains unclear.

GeneDx
Classification: Uncertain significance. Last evaluated: 2020-01-14. Review status: criteria provided, single submitter. Criteria: GeneDx Variant Classification Process June 2021. Collection method: clinical testing. Allele origin: germline. Affected: yes.
Comment: Not observed at a significant frequency in large population cohorts (Lek et al., 2016); In silico analysis, which includes protein predictors and evolutionary conservation, supports a deleterious effect; Has not been previously published as pathogenic or benign to our knowledge